The following is an entry in ClinVar:

NM_020937.4(FANCM):c.299G>T (p.Arg100Leu)

Gene: FANCM (FA complementation group M; plus strand). Cytogenetic location: 14q21.2.
Variant type: single nucleotide variant.
Coding change: c.299G>T on transcript NM_020937.4 (MANE Select); coding-DNA position 299, G replaced by T.
Protein change: p.Arg100Leu; replaces arginine 100 with leucine.
Molecular consequence: missense variant.
Genome position (GRCh38, 1-based): chr14:45,136,330, G>T. VCF-style: chr14-45136330-G-T. GRCh37 (hg19) VCF-style: chr14-45605533-G-T.
Other names: c.299G>T, p.Arg100Leu (NM_001308133.2, NM_001308134.2); short protein forms R100L.
Identifiers: ClinVar variation 4254520 (VCV004254520.1).
Genomic context (GRCh38, chr14:45,136,330, plus strand): 5'-GCGCCCTGTGGATTTACCCTACCAATTGCCCAGTGCGGGACTACCAGCTGCACATTTCCC[G>T]GGCTGCTCTGTTTTGCAATACGCTGGTGTGTCTGCCTACCGGACTGGGAAAGACCTTTAT-3'
Protein context (NP_065988.1, residues 90-110): PVRDYQLHIS[Arg100Leu]AALFCNTLVC

ClinVar aggregate classification (germline): Uncertain significance (1 of 4 stars; one submission).

Conditions:
Inborn genetic diseases. Identifiers: MedGen C0950123, MeSH D030342.

Submission:

Ambry Genetics
Classification: Uncertain significance for Inborn genetic diseases. Last evaluated: 2025-06-15. Review status: criteria provided, single submitter. Criteria: Ambry Variant Classification Scheme 2023. Collection method: clinical testing. Allele origin: germline.
Comment: The p.R100L variant (also known as c.299G>T), located in coding exon 1 of the FANCM gene, results from a G to T substitution at nucleotide position 299. The arginine at codon 100 is replaced by leucine, an amino acid with dissimilar properties. This amino acid position is conserved. In addition, this alteration is predicted to be tolerated by in silico analysis. Based on the available evidence, the clinical significance of this variant remains unclear.